The following is an entry in ClinVar:

ClinVar aggregate classification (germline): Uncertain significance. Review status: criteria provided, multiple submitters, no conflicts (2 of 4 stars). 2 submissions from 2 submitters: Uncertain significance (2). Last evaluated 2025-01-16.

Conditions:
Inborn genetic diseases. Identifiers: MedGen C0950123, MeSH D030342.

Allele frequency attached by ClinVar (database versions not stated): gnomAD 0.00001 and 0.00003; TOPMed 0.00002; ExAC 0.00014; 1000 Genomes Project 0.00040; 1000 Genomes Project 30x 0.00047.
gnomAD v4.1: 76 of 1,610,438 alleles (0.0047%); highest among the groups gnomAD compares: South Asian, 0.052%; no homozygotes.

Submissions (2):

Ambry Genetics
Classification: Uncertain significance for Inborn genetic diseases. Last evaluated: 2025-01-16. Review status: criteria provided, single submitter. Criteria: Ambry Variant Classification Scheme 2023. Collection method: clinical testing. Allele origin: germline.

Labcorp Genetics (formerly Invitae), Labcorp
Classification: Uncertain significance. Last evaluated: 2022-07-07. Review status: criteria provided, single submitter. Criteria: Invitae Variant Classification Sherloc (09022015). Collection method: clinical testing. Allele origin: germline.
Comment: This sequence change replaces glycine, which is neutral and non-polar, with arginine, which is basic and polar, at codon 497 of the LTBP2 protein (p.Gly497Arg). The frequency data for this variant in the population databases is considered unreliable, as metrics indicate poor data quality at this position in the gnomAD database. This variant has not been reported in the literature in individuals affected with LTBP2-related conditions. ClinVar contains an entry for this variant (Variation ID: 1433790). Algorithms developed to predict the effect of missense changes on protein structure and function (SIFT, PolyPhen-2, Align-GVGD) all suggest that this variant is likely to be tolerated. In summary, the available evidence is currently insufficient to determine the role of this variant in disease. Therefore, it has been classified as a Variant of Uncertain Significance.

NM_000428.3(LTBP2):c.1489G>A (p.Gly497Arg)

Gene: LTBP2 (latent transforming growth factor beta binding protein 2; minus strand). Cytogenetic location: 14q24.3.
Variant type: single nucleotide variant.
Coding change: c.1489G>A on transcript NM_000428.3 (MANE Select); coding-DNA position 1489, G replaced by A.
Protein change: p.Gly497Arg; replaces glycine 497 with arginine.
Molecular consequence: missense variant.
Genome position (GRCh38, 1-based): chr14:74,551,261, C>T on the plus strand (G>A on the coding strand, the complement: LTBP2 is on the minus strand). VCF-style: chr14-74551261-C-T. GRCh37 (hg19) VCF-style: chr14-75017964-C-T.
Other names: c.1489G>A (NM_000428.2); short protein forms G497R.
Identifiers: ClinVar variation 1433790 (VCV001433790.6), dbSNP rs572046340, ClinGen allele CA7269864.